The following is an entry in ClinVar:

ClinVar aggregate classification (germline): Uncertain significance (1 of 4 stars; one submission).

gnomAD v4.1: 1 of 1,614,024 alleles (0.000062%); highest among the groups gnomAD compares: Middle Eastern, 0.016%; no homozygotes.

Submission:

Labcorp Genetics (formerly Invitae), Labcorp
Classification: Uncertain significance. Last evaluated: 2024-05-07. Review status: criteria provided, single submitter. Criteria: Invitae Variant Classification Sherloc (09022015). Collection method: clinical testing. Allele origin: germline.
Comment: This sequence change replaces glutamic acid, which is acidic and polar, with aspartic acid, which is acidic and polar, at codon 789 of the ADAMTS10 protein (p.Glu789Asp). This variant is not present in population databases (gnomAD no frequency). This variant has not been reported in the literature in individuals affected with ADAMTS10-related conditions. ClinVar contains an entry for this variant (Variation ID: 2075986). An algorithm developed to predict the effect of missense changes on protein structure and function (PolyPhen-2) suggests that this variant is likely to be disruptive. In summary, the available evidence is currently insufficient to determine the role of this variant in disease. Therefore, it has been classified as a Variant of Uncertain Significance.

NM_030957.4(ADAMTS10):c.2367A>C (p.Glu789Asp)

Gene: ADAMTS10 (ADAM metallopeptidase with thrombospondin type 1 motif 10; minus strand). Cytogenetic location: 19p13.2.
Variant type: single nucleotide variant.
Coding change: c.2367A>C on transcript NM_030957.4 (MANE Select); coding-DNA position 2367, A replaced by C.
Protein change: p.Glu789Asp; replaces glutamic acid 789 with aspartic acid.
Molecular consequence: missense variant.
Genome position (GRCh38, 1-based): chr19:8,586,594, T>G on the plus strand (A>C on the coding strand, the complement: ADAMTS10 is on the minus strand). VCF-style: chr19-8586594-T-G. GRCh37 (hg19) VCF-style: chr19-8651478-T-G.
Other names: c.828A>C, p.Glu276Asp (NM_001282352.2); short protein forms E789D, E276D.
Identifiers: ClinVar variation 2075986 (VCV002075986.4), dbSNP rs2512581892, ClinGen allele CA403749943.